The following is an entry in ClinVar:

ClinVar aggregate classification (germline): Uncertain significance. Review status: criteria provided, multiple submitters, no conflicts (2 of 4 stars). 2 submissions from 2 submitters: Uncertain significance (2). Last evaluated 2024-10-22.

Conditions:
Inborn genetic diseases. Identifiers: MedGen C0950123, MeSH D030342.

Allele frequency attached by ClinVar (database versions not stated): gnomAD exomes below 0.00001 and 0.00001; gnomAD 0.00001; TOPMed 0.00002.
gnomAD v4.1: 7 of 1,611,810 alleles (0.00043%); highest among the groups gnomAD compares: African/African-American, 0.008%; no homozygotes.

Submissions (2):

Labcorp Genetics (formerly Invitae), Labcorp
Classification: Uncertain significance. Last evaluated: 2024-10-22. Review status: criteria provided, single submitter. Criteria: Invitae Variant Classification Sherloc (09022015). Collection method: clinical testing. Allele origin: germline.
Comment: This sequence change replaces glutamine, which is neutral and polar, with histidine, which is basic and polar, at codon 253 of the TOPORS protein (p.Gln253His). This variant is present in population databases (no rsID available, gnomAD 0.01%). This missense change has been observed in individual(s) with retinitis pigmentosa (internal data). ClinVar contains an entry for this variant (Variation ID: 1346169). An algorithm developed to predict the effect of missense changes on protein structure and function (PolyPhen-2) suggests that this variant is likely to be tolerated. In summary, the available evidence is currently insufficient to determine the role of this variant in disease. Therefore, it has been classified as a Variant of Uncertain Significance.

Ambry Genetics
Classification: Uncertain significance for Inborn genetic diseases. Last evaluated: 2024-06-17. Review status: criteria provided, single submitter. Criteria: Ambry Variant Classification Scheme 2023. Collection method: clinical testing. Allele origin: germline.

NM_005802.5(TOPORS):c.759A>C (p.Gln253His)

Gene: TOPORS (TOP1 binding arginine/serine rich protein, E3 ubiquitin ligase; minus strand). Cytogenetic location: 9p21.1.
Variant type: single nucleotide variant.
Coding change: c.759A>C on transcript NM_005802.5 (MANE Select); coding-DNA position 759, A replaced by C.
Protein change: p.Gln253His; replaces glutamine 253 with histidine.
Molecular consequence: missense variant.
Genome position (GRCh38, 1-based): chr9:32,543,766, T>G on the plus strand (A>C on the coding strand, the complement: TOPORS is on the minus strand). VCF-style: chr9-32543766-T-G. GRCh37 (hg19) VCF-style: chr9-32543764-T-G.
Other names: c.759A>C (NM_005802.4); c.564A>C, p.Gln188His (NM_001195622.2); short protein forms Q188H, Q253H.
Identifiers: ClinVar variation 1346169 (VCV001346169.9), dbSNP rs896311625, ClinGen allele CA192359403.